The following is an entry in ClinVar:

ClinVar aggregate classification (germline): Uncertain significance (1 of 4 stars; one submission).

Conditions:
Progressive familial heart block type IB (PFHB1B). Identifiers: Orphanet 871, MedGen C1970298, MONDO:0011474, OMIM 604559.

Submission:

Labcorp Genetics (formerly Invitae), Labcorp
Classification: Uncertain significance for Progressive familial heart block type IB. Last evaluated: 2021-12-17. Review status: criteria provided, single submitter. Criteria: Invitae Variant Classification Sherloc (09022015). Collection method: clinical testing. Allele origin: germline.
Comment: In summary, the available evidence is currently insufficient to determine the role of this variant in disease. Therefore, it has been classified as a Variant of Uncertain Significance. This variant has not been reported in the literature in individuals affected with TRPM4-related conditions. This variant is a gross deletion of the genomic region encompassing exon(s) 1-3 of the TRPM4 gene, which includes the initiator codon. This deletion extends beyond the assayed region for this gene and therefore may encompass additional genes. It is expected to result in an absent or disrupted protein product. However, the current clinical and genetic evidence is not sufficient to establish whether loss-of-function variants in TRPM4 cause disease.

NC_000019.9:g.(?_49661124)_(49669492_?)del

Gene: TRPM4 (transient receptor potential cation channel subfamily M member 4; plus strand). Cytogenetic location: 19q13.33.
Variant type: Deletion.
Identifiers: ClinVar variation 1412065 (VCV001412065.4).